The following is an entry in ClinVar:

ClinVar aggregate classification (germline): Uncertain significance. Review status: criteria provided, multiple submitters, no conflicts (2 of 4 stars). 8 submissions from 8 submitters: Uncertain significance (8). Last evaluated 2025-12-29.

Conditions:
Familial cancer of breast. Also called: hereditary breast carcinoma; Hereditary breast cancer; BREAST CANCER, FAMILIAL. Identifiers: Orphanet 227535, MedGen C0346153, MONDO:0016419, OMIM 114480. Disease mechanism: loss of function.
PALB2-related disorder. Also called: PALB2-related condition; PALB2-related disorders.
Hereditary cancer-predisposing syndrome. Also called: Hereditary neoplastic syndrome; Hereditary Cancer Syndrome; Neoplastic Syndromes, Hereditary; Tumor predisposition. Identifiers: Orphanet 140162, MedGen C0027672, MeSH D009386, MONDO:0015356.

gnomAD v4.1: 10 of 1,614,022 alleles (0.00062%); highest among the groups gnomAD compares: East Asian, 0.0022%; no homozygotes.

Submissions (8):

Center for Genomic Medicine, Rigshospitalet, Copenhagen University Hospital
Classification: Uncertain significance. Last evaluated: 2025-12-29. Review status: criteria provided, single submitter. Criteria: ACMG Guidelines, 2015. Collection method: clinical testing. Allele origin: germline.
Comment: Classification criteria: BP1

Ambry Genetics
Classification: Uncertain significance for Hereditary cancer-predisposing syndrome. Last evaluated: 2025-11-12. Review status: criteria provided, single submitter. Criteria: Ambry Variant Classification Scheme 2023. Collection method: clinical testing. Allele origin: germline.

Labcorp Genetics (formerly Invitae), Labcorp
Classification: Uncertain significance for Familial cancer of breast. Last evaluated: 2025-09-10. Review status: criteria provided, single submitter. Criteria: Invitae Variant Classification Sherloc (09022015). Collection method: clinical testing. Allele origin: germline.
Comment: This sequence change replaces proline, which is neutral and non-polar, with leucine, which is neutral and non-polar, at codon 758 of the PALB2 protein (p.Pro758Leu). This variant is present in population databases (rs746117401, gnomAD 0.005%). This missense change has been observed in individual(s) with ovarian cancer (PMID: 26315354). ClinVar contains an entry for this variant (Variation ID: 577747). An algorithm developed to predict the effect of missense changes on protein structure and function outputs the following: PolyPhen-2: "Benign". The leucine amino acid residue is found in multiple mammalian species, which suggests that this missense change does not adversely affect protein function. In summary, the available evidence is currently insufficient to determine the role of this variant in disease. Therefore, it has been classified as a Variant of Uncertain Significance.

Molecular Pathology, Peter Maccallum Cancer Centre
Classification: Uncertain significance for Familial cancer of breast. Last evaluated: 2025-05-05. Review status: criteria provided, single submitter. Criteria: ACMG Guidelines, 2015. Collection method: clinical testing. Allele origin: germline. Inheritance: Autosomal dominant inheritance.

PreventionGenetics, part of Exact Sciences
Classification: Uncertain significance for PALB2-related condition. Last evaluated: 2023-09-12. Review status: criteria provided, single submitter. Criteria: ACMG Guidelines, 2015. Collection method: clinical testing. Allele origin: germline.
Comment: The PALB2 c.2273C>T variant is predicted to result in the amino acid substitution p.Pro758Leu. This variant was reported in an individual with ovarian cancer (Supplementary Table 4 in Ramus et al 2015. PubMed ID: 26315354). This variant is reported in 0.0050% of alleles in individuals of East Asian descent in gnomAD. At this time, the clinical significance of this variant is uncertain due to the absence of conclusive functional and genetic evidence.

Clinical Genetics Laboratory, Skane University Hospital Lund
Classification: Uncertain significance. Last evaluated: 2023-05-11. Review status: criteria provided, single submitter. Criteria: ACMG Guidelines, 2015. Collection method: clinical testing. Allele origin: germline. Affected: yes.

Blueprint Genetics
Classification: Uncertain significance. Last evaluated: 2021-11-16. Review status: criteria provided, single submitter. Criteria: ACMG Guidelines, 2015. Collection method: clinical testing. Allele origin: germline.

Quest Diagnostics Nichols Institute San Juan Capistrano
Classification: Uncertain significance. Last evaluated: 2019-08-30. Review status: criteria provided, single submitter. Criteria: Quest Diagnostics criteria. Collection method: clinical testing. Allele origin: unknown.

Literature cited by the submitters: PubMed 26315354 (cited by Labcorp Genetics (formerly Invitae), Labcorp and Quest Diagnostics Nichols Institute San Juan Capistrano).

NM_024675.4(PALB2):c.2273C>T (p.Pro758Leu)

Gene: PALB2 (partner and localizer of BRCA2; minus strand). Cytogenetic location: 16p12.2.
Variant type: single nucleotide variant.
Coding change: c.2273C>T on transcript NM_024675.4 (MANE Select); coding-DNA position 2273, C replaced by T.
Protein change: p.Pro758Leu; replaces proline 758 with leucine.
Molecular consequence: missense variant.
Genome position (GRCh38, 1-based): chr16:23,629,881, G>A on the plus strand (C>T on the coding strand, the complement: PALB2 is on the minus strand). VCF-style: chr16-23629881-G-A. GRCh37 (hg19) VCF-style: chr16-23641202-G-A.
Other names: short protein forms P758L.
Identifiers: ClinVar variation 577747 (VCV000577747.20), dbSNP rs746117401, ClinGen allele CA7963603.
Genomic context (GRCh38, chr16:23,629,881, plus strand): 5'-CTGTCGAATTGTTTAGTATCACTGGCAAGACAGACTGAGTCTTTCAAATGAGCAAGTTGG[G>A]GTGTGCAGCAAGTTCGTCCAGCAACTTCTGTAGATGCTTTTTCATAGGAGCCTTGAGGGC-3'
Protein context (NP_078951.2, residues 748-768): TEVAGRTCCT[Pro758Leu]QLAHLKDSVC